The following is an entry in ClinVar:

ClinVar aggregate classification (germline): Uncertain significance (1 of 4 stars; one submission).

Conditions:
Inborn genetic diseases. Identifiers: MedGen C0950123, MeSH D030342.

Submission:

Ambry Genetics
Classification: Uncertain significance for Inborn genetic diseases. Last evaluated: 2021-12-11. Review status: criteria provided, single submitter. Criteria: Ambry Variant Classification Scheme 2023. Collection method: clinical testing. Allele origin: germline.
Comment: The p.M300K variant (also known as c.899T>A), located in coding exon 7 of the BUB1B gene, results from a T to A substitution at nucleotide position 899. The methionine at codon 300 is replaced by lysine, an amino acid with similar properties. This amino acid position is conserved. In addition, this alteration is predicted to be tolerated by in silico analysis. Since supporting evidence is limited at this time, the clinical significance of this alteration remains unclear.

NM_001211.6(BUB1B):c.899T>A (p.Met300Lys)

Gene: BUB1B (BUB1 mitotic checkpoint serine/threonine kinase B; plus strand). Cytogenetic location: 15q15.1.
Variant type: single nucleotide variant.
Coding change: c.899T>A on transcript NM_001211.6 (MANE Select); coding-DNA position 899, T replaced by A.
Protein change: p.Met300Lys; replaces methionine 300 with lysine.
Molecular consequence: missense variant.
Genome position (GRCh38, 1-based): chr15:40,185,312, T>A. VCF-style: chr15-40185312-T-A. GRCh37 (hg19) VCF-style: chr15-40477513-T-A.
Other names: short protein forms M300K.
Identifiers: ClinVar variation 1765389 (VCV001765389.2), dbSNP rs2542535649, ClinGen allele CA391684570.